The following is an entry in ClinVar:

NM_003803.4(MYOM1):c.1639G>A (p.Asp547Asn)

Gene: MYOM1 (myomesin 1; minus strand). Cytogenetic location: 18p11.31.
Variant type: single nucleotide variant.
Coding change: c.1639G>A on transcript NM_003803.4 (MANE Select); coding-DNA position 1639, G replaced by A.
Protein change: p.Asp547Asn; replaces aspartic acid 547 with asparagine.
Molecular consequence: missense variant.
Genome position (GRCh38, 1-based): chr18:3,154,951, C>T on the plus strand (G>A on the coding strand, the complement: MYOM1 is on the minus strand). VCF-style: chr18-3154951-C-T. GRCh37 (hg19) VCF-style: chr18-3154949-C-T.
Other names: c.1639G>A, p.Asp547Asn (NM_019856.2); short protein forms D547N.
Identifiers: ClinVar variation 4115980 (VCV004115980.1).

ClinVar aggregate classification (germline): Uncertain significance (1 of 4 stars; one submission).

Submission:

Ambry Genetics
Classification: Uncertain significance. Last evaluated: 2025-08-03. Review status: criteria provided, single submitter. Criteria: Ambry Variant Classification Scheme 2023. Collection method: clinical testing. Allele origin: germline.
Comment: The p.D547N variant (also known as c.1639G>A), located in coding exon 10 of the MYOM1 gene, results from a G to A substitution at nucleotide position 1639. The aspartic acid at codon 547 is replaced by asparagine, an amino acid with highly similar properties. This amino acid position is conserved. In addition, this alteration is predicted to be tolerated by in silico analysis. Based on the available evidence, the clinical significance of this variant remains unclear.